The following is an entry in ClinVar:

NM_001853.4(COL9A3):c.1448A>G (p.Asn483Ser)

Genes: COL9A3 (collagen type IX alpha 3 chain; plus strand), LOC126863084 (MED14-independent group 3 enhancer GRCh37_chr20:61467141-61468340; plus strand). Cytogenetic location: 20q13.33.
Variant type: single nucleotide variant.
Coding change: c.1448A>G on transcript NM_001853.4 (MANE Select); coding-DNA position 1448, A replaced by G.
Protein change: p.Asn483Ser; replaces asparagine 483 with serine.
Molecular consequence: missense variant.
Genome position (GRCh38, 1-based): chr20:62,836,233, A>G. VCF-style: chr20-62836233-A-G. GRCh37 (hg19) VCF-style: chr20-61467585-A-G.
Other names: short protein forms N483S.
Identifiers: ClinVar variation 1929478 (VCV001929478.5), dbSNP rs765882920, ClinGen allele CA9949987.

ClinVar aggregate classification (germline): Uncertain significance (1 of 4 stars; one submission).

Allele frequency attached by ClinVar (database versions not stated): TOPMed below 0.00001; ExAC 0.00001; gnomAD exomes 0.00001.

Submission:

Labcorp Genetics (formerly Invitae), Labcorp
Classification: Uncertain significance. Last evaluated: 2023-08-30. Review status: criteria provided, single submitter. Criteria: Invitae Variant Classification Sherloc (09022015). Collection method: clinical testing. Allele origin: germline.
Comment: This sequence change replaces asparagine, which is neutral and polar, with serine, which is neutral and polar, at codon 483 of the COL9A3 protein (p.Asn483Ser). This variant is present in population databases (rs765882920, gnomAD 0.006%). This variant has not been reported in the literature in individuals affected with COL9A3-related conditions. ClinVar contains an entry for this variant (Variation ID: 1929478). Advanced modeling of protein sequence and biophysical properties (such as structural, functional, and spatial information, amino acid conservation, physicochemical variation, residue mobility, and thermodynamic stability) performed at Invitae indicates that this missense variant is not expected to disrupt COL9A3 protein function. In summary, the available evidence is currently insufficient to determine the role of this variant in disease. Therefore, it has been classified as a Variant of Uncertain Significance.